The following is an entry in ClinVar:

NM_005327.7(HADH):c.774A>G (p.Pro258=)

Gene: HADH (hydroxyacyl-CoA dehydrogenase; plus strand). Cytogenetic location: 4q25.
Variant type: single nucleotide variant.
Coding change: c.774A>G on transcript NM_005327.7 (MANE Select); coding-DNA position 774, A replaced by G.
Protein change: p.Pro258=; no amino-acid change (proline 258 retained).
Molecular consequence: synonymous variant.
Genome position (GRCh38, 1-based): chr4:108,033,240, A>G. VCF-style: chr4-108033240-A-G. GRCh37 (hg19) VCF-style: chr4-108954396-A-G.
Other names: c.825A>G, p.Pro275= (NM_001184705.4); c.786A>G, p.Pro262= (NM_001331027.2).
Identifiers: ClinVar variation 2999976 (VCV002999976.21), dbSNP rs774369587, ClinGen allele CA3037623.

ClinVar aggregate classification (germline): Likely benign. Review status: criteria provided, multiple submitters, no conflicts (2 of 4 stars). 2 submissions from 2 submitters: Likely benign (2). Last evaluated 2024-06-01.

Conditions:
Deficiency of 3-hydroxyacyl-CoA dehydrogenase. Also called: HADH DEFICIENCY; 3-hydroxyacyl-CoA dehydrogenase deficiency. Identifiers: Orphanet 309127, Orphanet 71212, MedGen C1291230, MONDO:0017715, OMIM 231530.

Allele frequency attached by ClinVar (database versions not stated): gnomAD 0.00001; gnomAD exomes 0.00001; ExAC 0.00002.
gnomAD v4.1: 8 of 1,609,630 alleles (0.0005%); highest among the groups gnomAD compares: South Asian, 0.0088%; 1 homozygote.

Submissions (2):

CeGaT Center for Human Genetics Tuebingen
Classification: Likely benign. Last evaluated: 2024-06-01. Review status: criteria provided, single submitter. Criteria: CeGaT Center For Human Genetics Tuebingen Variant Classification Criteria Version 2. Collection method: clinical testing. Allele origin: germline. Affected: yes. Observed: 1 variant allele.
Comment: HADH: BP4, BP7

Labcorp Genetics (formerly Invitae), Labcorp
Classification: Likely benign for Deficiency of 3-hydroxyacyl-CoA dehydrogenase. Last evaluated: 2023-02-21. Review status: criteria provided, single submitter. Criteria: Invitae Variant Classification Sherloc (09022015). Collection method: clinical testing. Allele origin: germline.